The following is an entry in ClinVar:

NM_000255.4(MMUT):c.1332+1del

Gene: MMUT (methylmalonyl-CoA mutase; minus strand). Cytogenetic location: 6p12.3.
Variant type: Deletion.
Coding change: c.1332+1del on transcript NM_000255.4 (MANE Select); the canonical splice donor site of the intron after coding-DNA position 1332, one base deleted (G; older notation c.1332+1delG).
Molecular consequence: splice donor variant.
Genome position (GRCh38, 1-based): chr6:49,451,465, C deleted on the plus strand (G on the coding strand, the reverse complement: MMUT is on the minus strand); the first of 2 consecutive C bases (chr6:49,451,465-49,451,466); deleting either gives the same sequence. VCF-style (leftmost placement, unchanged base first): chr6-49451464-AC-A. GRCh37 (hg19) VCF-style: chr6-49419177-AC-A.
Other names: c.1332+1delG (NM_000255.3).
Identifiers: ClinVar variation 554656 (VCV000554656.13), dbSNP rs771542321, ClinGen allele CA3846920.

ClinVar aggregate classification (germline): Pathogenic. Review status: criteria provided, multiple submitters, no conflicts (2 of 4 stars). 6 submissions from 6 submitters: Pathogenic (4). 2 of the submissions do not count toward it. Last evaluated 2025-01-29.

Conditions:
Methylmalonic aciduria due to complete methylmalonyl-CoA mutase deficiency.
Methylmalonic aciduria due to methylmalonyl-CoA mutase deficiency (MAMM). Also called: Methylmalonic aciduria, mut type. Identifiers: Orphanet 27, MedGen C1855114, MONDO:0009612, OMIM 251000.
MMUT-related disorder. Also called: MMUT-related condition.

Submissions (6):

Natera, Inc.
Classification: Pathogenic for Methylmalonic aciduria due to complete methylmalonyl-CoA mutase deficiency. Last evaluated: 2025-01-29. Review status: criteria provided, single submitter. Criteria: Natera Variant Classification Schema (03/2026). Collection method: clinical testing. Allele origin: germline.
Comment: The c.1332+1delG variant in MMUT is a canonical splice donor site variant predicted to affect pre-mRNA splicing, which may result in an abnormal transcript and altered protein product. This variant is expected to result in nonsense mediated decay, truncation, or a dysfunctional protein product. This variant is rare in the general population with a frequency below the threshold expected for the associated phenotype(s). This variant has been observed in one or more individuals affected with the associated recessive disease, as either homozygous or compound heterozygous with a second variant (PMID: 16281286). Given the available evidence, this variant is classified as Pathogenic.

Labcorp Genetics (formerly Invitae), Labcorp
Classification: Pathogenic. Last evaluated: 2023-11-06. Review status: criteria provided, single submitter. Criteria: Invitae Variant Classification Sherloc (09022015). Collection method: clinical testing. Allele origin: germline.
Comment: This sequence change creates a premature translational stop signal (Splice site) in the MUT gene. It is expected to result in an absent or disrupted protein product. Loss-of-function variants in MUT are known to be pathogenic (PMID: 15781192). This variant is present in population databases (rs771542321, gnomAD 0.0009%). This premature translational stop signal has been observed in individual(s) with methylmalonic acidemia (PMID: 16281286). This variant is also known as c.1332+1delG. ClinVar contains an entry for this variant (Variation ID: 554656). Algorithms developed to predict the effect of sequence changes on RNA splicing suggest that this variant may disrupt the consensus splice site. For these reasons, this variant has been classified as Pathogenic.

GeneDx
Classification: Pathogenic. Last evaluated: 2023-02-22. Review status: criteria provided, single submitter. Criteria: GeneDx Variant Classification Process June 2021. Collection method: clinical testing. Allele origin: germline. Affected: yes.
Comment: Canonical splice site variant expected to result in aberrant splicing, although in the absence of functional evidence the actual effect of this sequence change is unknown.; Not observed at significant frequency in large population cohorts (gnomAD); This variant is associated with the following publications: (PMID: 26672496, 27233228, 25959030, 32754920, 16281286, 21048060)

Fulgent Genetics
Classification: Pathogenic for Methylmalonic aciduria due to methylmalonyl-CoA mutase deficiency. Last evaluated: 2022-04-26. Review status: criteria provided, single submitter. Criteria: ACMG Guidelines, 2015. Collection method: clinical testing. Allele origin: unknown.

PreventionGenetics, part of Exact Sciences
Classification: Pathogenic for MMUT-related condition. Last evaluated: 2024-04-29. Review status: no assertion criteria provided. Collection method: clinical testing. Allele origin: germline. Not counted in ClinVar's aggregate classification.
Comment: The MMUT c.1332+1delG variant is predicted to result in a deletion affecting a canonical splice site. This variant has been reported along with a second causative MMUT variant in multiple individuals with isolated methylmalonic acidemia (Worgan et al. 2006. PubMed ID: 16281286; Hörster et al. 2020. PubMed ID: 32754920). This variant is reported in 0.00088% of alleles in individuals of European (Non-Finnish) descent in gnomAD. This variant is interpreted as pathogenic.

Counsyl
Classification: Pathogenic for Methylmalonic aciduria due to methylmalonyl-CoA mutase deficiency. Last evaluated: 2017-10-30. Review status: no assertion criteria provided. Collection method: clinical testing. Allele origin: unknown. Not counted in ClinVar's aggregate classification.

Literature cited by the submitters: PubMed 16281286 (cited by 3 submitters); PubMed 15781192 (cited by Labcorp Genetics (formerly Invitae), Labcorp).